The following is an entry in ClinVar:

ClinVar aggregate classification (germline): Uncertain significance (1 of 4 stars; one submission).

gnomAD v4.1: 1 of 1,614,046 alleles (0.000062%); highest among the groups gnomAD compares: Non-Finnish European, 0.000085%; no homozygotes.

Submission:

GeneDx
Classification: Uncertain significance. Last evaluated: 2025-07-16. Review status: criteria provided, single submitter. Criteria: GeneDx Variant Classification Process June 2021. Collection method: clinical testing. Allele origin: germline. Affected: yes.
Comment: Not observed at significant frequency in large population cohorts (gnomAD); In silico analysis supports that this missense variant has a deleterious effect on protein structure/function; Has not been previously published as pathogenic or benign to our knowledge

NM_004519.4(KCNQ3):c.1672C>G (p.Leu558Val)

Gene: KCNQ3 (potassium voltage-gated channel subfamily Q member 3; minus strand). Cytogenetic location: 8q24.22.
Variant type: single nucleotide variant.
Coding change: c.1672C>G on transcript NM_004519.4 (MANE Select); coding-DNA position 1672, C replaced by G.
Protein change: p.Leu558Val; replaces leucine 558 with valine.
Molecular consequence: missense variant.
Genome position (GRCh38, 1-based): chr8:132,137,913, G>C on the plus strand (C>G on the coding strand, the complement: KCNQ3 is on the minus strand). VCF-style: chr8-132137913-G-C. GRCh37 (hg19) VCF-style: chr8-133150160-G-C.
Other names: c.1312C>G, p.Leu438Val (NM_001204824.2); short protein forms L438V, L558V.
Identifiers: ClinVar variation 4686306 (VCV004686306.1).